The following is an entry in ClinVar:

ClinVar aggregate classification (germline): Uncertain significance. Review status: criteria provided, multiple submitters, no conflicts (2 of 4 stars). 2 submissions from 2 submitters: Uncertain significance (2). Last evaluated 2025-06-10.

Conditions:
Hereditary cancer-predisposing syndrome. Also called: Hereditary neoplastic syndrome; Neoplastic Syndromes, Hereditary; Tumor predisposition; Hereditary Cancer Syndrome. Identifiers: Orphanet 140162, MedGen C0027672, MeSH D009386, MONDO:0015356.
Ataxia-telangiectasia syndrome (AT). Also called: LOUIS-BAR SYNDROME; Cerebello-oculocutaneous telangiectasia; Immunodeficiency with ataxia telangiectasia; AT, COMPLEMENTATION GROUP C; Ataxia-telangiectasia, complementation group D; ATAXIA-TELANGIECTASIA, COMPLEMENTATION GROUP A. Identifiers: Orphanet 100, MedGen C0004135, MONDO:0008840, OMIM 208900.

Submissions (2):

Labcorp Genetics (formerly Invitae), Labcorp
Classification: Uncertain significance for Ataxia-telangiectasia syndrome. Last evaluated: 2025-06-10. Review status: criteria provided, single submitter. Criteria: Invitae Variant Classification Sherloc (09022015). Collection method: clinical testing. Allele origin: germline.
Comment: This sequence change replaces lysine, which is basic and polar, with glutamic acid, which is acidic and polar, at codon 1170 of the ATM protein (p.Lys1170Glu). This variant is not present in population databases (gnomAD no frequency). This variant has not been reported in the literature in individuals affected with ATM-related conditions. ClinVar contains an entry for this variant (Variation ID: 482613). Invitae Evidence Modeling of protein sequence and biophysical properties (such as structural, functional, and spatial information, amino acid conservation, physicochemical variation, residue mobility, and thermodynamic stability) indicates that this missense variant is not expected to disrupt ATM protein function with a negative predictive value of 95%. Algorithms developed to predict the effect of sequence changes on RNA splicing suggest that this variant may create or strengthen a splice site. In summary, the available evidence is currently insufficient to determine the role of this variant in disease. Therefore, it has been classified as a Variant of Uncertain Significance.

Ambry Genetics
Classification: Uncertain significance for Hereditary cancer-predisposing syndrome. Last evaluated: 2016-07-01. Review status: criteria provided, single submitter. Criteria: Ambry Variant Classification Scheme 2023. Collection method: clinical testing. Allele origin: germline.
Comment: The p.K1170E variant (also known as c.3508A>G), located in coding exon 23 of the ATM gene, results from an A to G substitution at nucleotide position 3508. The lysine at codon 1170 is replaced by glutamic acid, an amino acid with similar properties. This variant was not reported in population based cohorts in the following databases: Database of Single Nucleotide Polymorphisms (dbSNP), NHLBI Exome Sequencing Project (ESP), and 1000 Genomes Project. In the ESP, this variant was not observed in 6499 samples (12998 alleles) with coverage at this position. To date, this alteration has been detected with an allele frequency of approximately 0.001% (greater than 180000 alleles tested) in our clinical cohort. This amino acid position is highly conserved in available vertebrate species. In addition, this alteration is predicted to be deleterious by in silico analysis. Since supporting evidence is limited at this time, the clinical significance of this alteration remains unclear.

NM_000051.4(ATM):c.3508A>G (p.Lys1170Glu)

Gene: ATM (ATM serine/threonine kinase; plus strand). Cytogenetic location: 11q22.3.
Variant type: single nucleotide variant.
Coding change: c.3508A>G on transcript NM_000051.4 (MANE Select); coding-DNA position 3508, A replaced by G.
Protein change: p.Lys1170Glu; replaces lysine 1170 with glutamic acid.
Molecular consequence: missense variant.
Genome position (GRCh38, 1-based): chr11:108,281,100, A>G. VCF-style: chr11-108281100-A-G. GRCh37 (hg19) VCF-style: chr11-108151827-A-G.
Other names: c.3508A>G, p.Lys1170Glu (NM_001351834.2); short protein forms K1170E.
Identifiers: ClinVar variation 482613 (VCV000482613.6), dbSNP rs1555091295, ClinGen allele CA382519889.
Genomic context (GRCh38, chr11:108,281,100, plus strand): 5'-AGAAAATCTGTTTTACTGACGTTGATAGCTGTGGTTTTATCCTGTAGCCCTATCTGCGAA[A>G]AACAGGCTTTGTTTGCCCTGTGTAAATCTGTGAAAGAGAATGGATTAGAACCTCACCTTG-3'
Protein context (NP_000042.3, residues 1160-1180): VVLSCSPICE[Lys1170Glu]QALFALCKSV